The following is an entry in ClinVar:

NM_007144.3(PCGF2):c.340C>G (p.Arg114Gly)

Gene: PCGF2 (polycomb group ring finger 2; minus strand). Cytogenetic location: 17q12.
Variant type: single nucleotide variant.
Coding change: c.340C>G on transcript NM_007144.3 (MANE Select); coding-DNA position 340, C replaced by G.
Protein change: p.Arg114Gly; replaces arginine 114 with glycine.
Molecular consequence: missense variant.
Genome position (GRCh38, 1-based): chr17:38,738,838, G>C on the plus strand (C>G on the coding strand, the complement: PCGF2 is on the minus strand). VCF-style: chr17-38738838-G-C. GRCh37 (hg19) VCF-style: chr17-36895091-G-C.
Other names: c.340C>G, p.Arg114Gly (NM_001369614.1, NM_001369615.1); short protein forms R114G.
Identifiers: ClinVar variation 3346223 (VCV003346223.1).

ClinVar aggregate classification (germline): Uncertain significance (0 of 4 stars; one submission).

Conditions:
PCGF2-related disorder. Also called: PCGF2-related condition.

Submission:

PreventionGenetics, part of Exact Sciences
Classification: Uncertain significance for PCGF2-related condition. Last evaluated: 2024-05-28. Review status: no assertion criteria provided. Collection method: clinical testing. Allele origin: germline.
Comment: The PCGF2 c.340C>G variant is predicted to result in the amino acid substitution p.Arg114Gly. To our knowledge, this variant has not been reported in the literature or in a large population database, indicating this variant is rare. At this time, the clinical significance of this variant is uncertain due to the absence of conclusive functional and genetic evidence.